The following is an entry in ClinVar:

NM_006009.4(TUBA1A):c.701T>G (p.Ile234Ser)

Gene: TUBA1A (tubulin alpha 1a; minus strand). Cytogenetic location: 12q13.12.
Variant type: single nucleotide variant.
Coding change: c.701T>G on transcript NM_006009.4 (MANE Select); coding-DNA position 701, T replaced by G.
Protein change: p.Ile234Ser; replaces isoleucine 234 with serine.
Molecular consequence: missense variant.
Genome position (GRCh38, 1-based): chr12:49,185,665, A>C on the plus strand (T>G on the coding strand, the complement: TUBA1A is on the minus strand). VCF-style: chr12-49185665-A-C. GRCh37 (hg19) VCF-style: chr12-49579448-A-C.
Other names: c.596T>G, p.Ile199Ser (NM_001270400.2); c.701T>G, p.Ile234Ser (NM_001270399.2); short protein forms I199S, I234S.
Identifiers: ClinVar variation 976320 (VCV000976320.1), dbSNP rs1942171599, ClinGen allele CA384640567.

ClinVar aggregate classification (germline): Pathogenic (1 of 4 stars; one submission).

Conditions:
Lissencephaly due to TUBA1A mutation (CDCBM16). Also called: CORTICAL DYSPLASIA, COMPLEX, WITH OTHER BRAIN MALFORMATIONS 16; Lissencephaly 3. Identifiers: Orphanet 171680, MedGen C4305153, MONDO:0012703, OMIM 611603.

Submission:

Institute of Human Genetics, University of Leipzig Medical Center
Classification: Pathogenic for Lissencephaly due to TUBA1A mutation. Last evaluated: 2019-07-19. Review status: criteria provided, single submitter. Criteria: ACMG Guidelines, 2015. Collection method: clinical testing. Allele origin: de novo. Affected: yes. Observed: 1 variant allele.
Comment: This variant was identified as de novo (maternity and paternity confirmed).